The following is an entry in ClinVar:

ClinVar aggregate classification (germline): Uncertain significance. Review status: criteria provided, multiple submitters, no conflicts (2 of 4 stars). 2 submissions from 2 submitters: Uncertain significance (2). Last evaluated 2023-05-15.

Conditions:
Hereditary spastic paraplegia 10 (SPG10). Also called: SPASTIC PARAPLEGIA 10, AUTOSOMAL DOMINANT; SPASTIC PARAPLEGIA 10 WITH OR WITHOUT PERIPHERAL NEUROPATHY; SPASTIC PARAPLEGIA 10 WITH PERIPHERAL NEUROPATHY. Identifiers: Orphanet 100991, MedGen C1858712, MONDO:0011408, OMIM 604187.
Spastic paraplegia. Identifiers: MedGen C0037772, HP:0001258.

Allele frequency attached by ClinVar (database versions not stated): TOPMed below 0.00001; ExAC 0.00001; gnomAD exomes 0.00001.
gnomAD v4.1: 9 of 1,614,144 alleles (0.00056%); highest among the groups gnomAD compares: Admixed American, 0.0017%; no homozygotes.

Submissions (2):

Labcorp Genetics (formerly Invitae), Labcorp
Classification: Uncertain significance for Spastic paraplegia. Last evaluated: 2023-05-15. Review status: criteria provided, single submitter. Criteria: Invitae Variant Classification Sherloc (09022015). Collection method: clinical testing. Allele origin: germline.
Comment: ClinVar contains an entry for this variant (Variation ID: 309945). This variant has not been reported in the literature in individuals affected with KIF5A-related conditions. This variant is present in population databases (rs777903778, gnomAD 0.003%). This sequence change replaces glutamine, which is neutral and polar, with histidine, which is basic and polar, at codon 826 of the KIF5A protein (p.Gln826His). Advanced modeling of protein sequence and biophysical properties (such as structural, functional, and spatial information, amino acid conservation, physicochemical variation, residue mobility, and thermodynamic stability) has been performed at Invitae for this missense variant, however the output from this modeling did not meet the statistical confidence thresholds required to predict the impact of this variant on KIF5A protein function. In summary, the available evidence is currently insufficient to determine the role of this variant in disease. Therefore, it has been classified as a Variant of Uncertain Significance.

Illumina Laboratory Services, Illumina
Classification: Uncertain significance for Hereditary spastic paraplegia 10. Last evaluated: 2018-01-13. Review status: criteria provided, single submitter. Criteria: ICSL Variant Classification Criteria 13 December 2019. Collection method: clinical testing. Allele origin: germline.

NM_004984.4(KIF5A):c.2478A>C (p.Gln826His)

Gene: KIF5A (kinesin family member 5A; plus strand). Cytogenetic location: 12q13.3.
Variant type: single nucleotide variant.
Coding change: c.2478A>C on transcript NM_004984.4 (MANE Select); coding-DNA position 2478, A replaced by C.
Protein change: p.Gln826His; replaces glutamine 826 with histidine.
Molecular consequence: missense variant.
Genome position (GRCh38, 1-based): chr12:57,578,282, A>C. VCF-style: chr12-57578282-A-C. GRCh37 (hg19) VCF-style: chr12-57972065-A-C.
Other names: c.2211A>C, p.Gln737His (NM_001354705.2); short protein forms Q826H, Q737H.
Identifiers: ClinVar variation 309945 (VCV000309945.10), dbSNP rs777903778, ClinGen allele CA6653136.